The following is an entry in ClinVar:

NM_000238.4(KCNH2):c.2398+1_2398+8del

Gene: KCNH2 (potassium voltage-gated channel subfamily H member 2; minus strand). Cytogenetic location: 7q36.1.
Variant type: Deletion.
Coding change: c.2398+1_2398+8del on transcript NM_000238.4 (MANE Select); the canonical splice donor site of the intron after coding-DNA position 2398 through 8 bases into the intron after coding-DNA position 2398, 8 bases deleted (GTATGGGG; older notation c.2398+1_2398+8delGTATGGGG).
Molecular consequence: splice donor variant. On other transcripts: frameshift variant (5).
Genome position (GRCh38, 1-based): chr7:150,950,160-150,950,167, CCCCATAC deleted on the plus strand (GTATGGGG on the coding strand, the reverse complement: KCNH2 is on the minus strand); deleting any 8 consecutive bases within chr7:150,950,160-150,950,169 gives the same sequence; the c. name uses the placement nearest the transcript's 3' end. VCF-style (leftmost placement, unchanged base first): chr7-150950159-ACCCCATAC-A. GRCh37 (hg19) VCF-style: chr7-150647247-ACCCCATAC-A.
Other names: c.1379_1386del, p.Gly460fs (NM_001204798.2); c.2220_2227delGGGTATGG, p.Gly741Valfs (NM_001406755.1); c.2109_2116delGGGTATGG, p.Gly704Valfs (NM_001406756.1); c.2097_2104delGGGTATGG, p.Gly700Valfs (NM_001406757.1); c.2397_2404delGGGTATGG, p.Gly800Valfs (NM_172056.3); c.1378+1_1378+8del (NM_172057.3); short protein forms G460fs, G800fs.
Identifiers: ClinVar variation 503674 (VCV000503674.6), dbSNP rs1554425146, ClinGen allele CA658797042.
Genomic context (GRCh38, chr7:150,950,159, plus strand): 5'-TCAGAAGGCTCGCACCTCTTGAGGCTGCAGAGGGCATTTCCAGTCCAGTGCCCGCCCCCC[ACCCCATAC>A]CCAGGATGGCCACGACGACGTCGCCCCGCAGGATCTCGATGGAGCCCCGGGAGATGAAGT-3'

ClinVar aggregate classification (germline): Pathogenic (1 of 4 stars; one submission).

Submission:

GeneDx
Classification: Pathogenic. Last evaluated: 2023-02-16. Review status: criteria provided, single submitter. Criteria: GeneDx Variant Classification Process June 2021. Collection method: clinical testing. Allele origin: germline. Affected: yes.
Comment: Canonical splice site variant predicted to result in a null allele in a gene for which loss of function is a known mechanism of disease; Not observed at significant frequency in large population cohorts (gnomAD); Has not been previously published as pathogenic or benign to our knowledge